The following is an entry in ClinVar:

ClinVar aggregate classification (germline): Pathogenic (1 of 4 stars; one submission).

Conditions:
Breast-ovarian cancer, familial, susceptibility to, 2 (BROVCA2). Also called: BRCA2 Hereditary Breast and Ovarian Cancer. Identifiers: Orphanet 145, MedGen C2675520, MONDO:0012933, OMIM 612555. Disease mechanism: loss of function.

Submission:

Myriad Genetics, Inc.
Classification: Pathogenic for Breast-ovarian cancer, familial, susceptibility to, 2. Last evaluated: 2022-12-30. Review status: criteria provided, single submitter. Criteria: Myriad Autosomal Dominant, Autosomal Recessive and X-Linked Classification Criteria (2023). Collection method: clinical testing. Allele origin: unknown.
Comment: This variant is considered pathogenic. This variant creates a frameshift predicted to result in premature protein truncation.

NM_000059.4(BRCA2):c.2156del (p.Asn719fs)

Gene: BRCA2 (BRCA2 DNA repair associated; plus strand). Cytogenetic location: 13q13.1.
Variant type: Deletion.
Coding change: c.2156del on transcript NM_000059.4 (MANE Select); coding-DNA position 2156, one base deleted (A; older notation c.2156delA).
Protein change: p.Asn719fs; shifts the reading frame from asparagine 719.
Molecular consequence: frameshift variant.
Genome position (GRCh38, 1-based): chr13:32,336,511, A deleted; the last of 4 consecutive A bases (chr13:32,336,508-32,336,511); deleting any one gives the same sequence. VCF-style (leftmost placement, unchanged base first): chr13-32336507-GA-G. GRCh37 (hg19) VCF-style: chr13-32910644-GA-G.
Other names: c.2156delA, p.Asn719Metfs (NM_001406719.1, NM_001406720.1); short protein forms N719fs.
Identifiers: ClinVar variation 2431310 (VCV002431310.1), dbSNP rs2548523287, ClinGen allele CA2580087240.